The following is an entry in ClinVar:

ClinVar aggregate classification (germline): Uncertain significance (1 of 4 stars; one submission).

gnomAD v4.1: 6 of 1,613,818 alleles (0.00037%); highest among the groups gnomAD compares: African/African-American, 0.0013%; no homozygotes.

Submission:

CeGaT Center for Human Genetics Tuebingen
Classification: Uncertain significance. Last evaluated: 2026-03-01. Review status: criteria provided, single submitter. Criteria: CeGaT Center For Human Genetics Tuebingen Variant Classification Criteria Version 2. Collection method: clinical testing. Allele origin: germline. Affected: yes. Observed: 1 variant allele.
Comment: WDR11: PM2:Supporting

NM_018117.12(WDR11):c.850A>G (p.Ile284Val)

Gene: WDR11 (WD repeat domain 11; plus strand). Cytogenetic location: 10q26.12.
Variant type: single nucleotide variant.
Coding change: c.850A>G on transcript NM_018117.12 (MANE Select); coding-DNA position 850, A replaced by G.
Protein change: p.Ile284Val; replaces isoleucine 284 with valine.
Molecular consequence: missense variant.
Genome position (GRCh38, 1-based): chr10:120,865,183, A>G. VCF-style: chr10-120865183-A-G. GRCh37 (hg19) VCF-style: chr10-122624695-A-G.
Other names: short protein forms I284V.
Identifiers: ClinVar variation 4873406 (VCV004873406.2).